The following is an entry in ClinVar:

NM_022783.4(DEPTOR):c.159A>G (p.Arg53=)

Gene: DEPTOR (DEP domain containing MTOR interacting protein; plus strand). Cytogenetic location: 8q24.12.
Variant type: single nucleotide variant.
Coding change: c.159A>G on transcript NM_022783.4 (MANE Select); coding-DNA position 159, A replaced by G.
Protein change: p.Arg53=; no amino-acid change (arginine 53 retained).
Molecular consequence: synonymous variant. On other transcripts: intron variant (1).
Genome position (GRCh38, 1-based): chr8:119,928,436, A>G. VCF-style: chr8-119928436-A-G. GRCh37 (hg19) VCF-style: chr8-120940676-A-G.
Other names: c.123-36796A>G (NM_001283012.2).
Identifiers: ClinVar variation 3772125 (VCV003772125.13).

ClinVar aggregate classification (germline): Likely benign (1 of 4 stars; one submission).

Submission:

CeGaT Center for Human Genetics Tuebingen
Classification: Likely benign. Last evaluated: 2024-12-01. Review status: criteria provided, single submitter. Criteria: CeGaT Center For Human Genetics Tuebingen Variant Classification Criteria Version 2. Collection method: clinical testing. Allele origin: germline. Affected: yes. Observed: 1 variant allele.
Comment: DEPTOR: PM2:Supporting, BP4, BP7